The following is an entry in ClinVar:

Conditions:
Breast-ovarian cancer, familial, susceptibility to, 1 (BROVCA1). Also called: BRCA1 Hereditary Breast and Ovarian Cancer; OVARIAN CANCER, SUSCEPTIBILITY TO. Identifiers: Orphanet 145, MedGen C2676676, MONDO:0011450, OMIM 604370. Disease mechanism: loss of function.

Submission:

Brotman Baty Institute, University of Washington
No classification provided (evidence only). Condition: Breast-ovarian cancer, familial 1. Review status: no classification provided. Collection method: in vitro. Allele origin: not applicable. Functional consequence: functionally_normal.
ClinVar note: "not provided" was previously submitted as the classification for the variant. However, the classification appeared to be based only on an observation of functional data so it was converted to no classification on 2025-07-30.

NM_007294.4(BRCA1):c.232A>G (p.Arg78Gly)

Gene: BRCA1 (BRCA1 DNA repair associated; minus strand). Cytogenetic location: 17q21.31.
Variant type: single nucleotide variant.
Coding change: c.232A>G on transcript NM_007294.4 (MANE Select); coding-DNA position 232, A replaced by G.
Protein change: p.Arg78Gly; replaces arginine 78 with glycine.
Molecular consequence: missense variant. On other transcripts: non-coding transcript variant (1).
Genome position (GRCh38, 1-based): chr17:43,104,937, T>C on the plus strand (A>G on the coding strand, the complement: BRCA1 is on the minus strand). VCF-style: chr17-43104937-T-C. GRCh37 (hg19) VCF-style: chr17-41256954-T-C.
Other names: c.91A>G, p.Arg31Gly (NM_001408501.1, NM_001408503.1, NM_007297.4 and 99 more transcripts); c.22A>G, p.Arg8Gly (NM_001408502.1, NM_001407571.1, NM_001407853.1 and 58 more transcripts); c.232A>G, p.Arg78Gly (NM_007298.4, NM_007299.4, NM_007300.4 and 168 more transcripts); c.154A>G, p.Arg52Gly (NM_001407653.1, NM_001407654.1, NM_001407655.1 and 21 more transcripts); c.-150A>G (NM_001407959.1, NM_001407960.1, NM_001407962.1 and 4 more transcripts); c.100A>G, p.Arg34Gly (NM_001408451.1); short protein forms R31G, R78G, R52G, R8G, R34G.
Identifiers: ClinVar variation 865583 (VCV000865583.3), dbSNP rs2054692881, ClinGen allele CA10601698.